The following is an entry in ClinVar:

ClinVar aggregate classification (germline): Uncertain significance. Review status: criteria provided, multiple submitters, no conflicts (2 of 4 stars). 3 submissions from 3 submitters: Uncertain significance (3). Last evaluated 2025-09-24.

Conditions:
Hereditary cancer-predisposing syndrome. Also called: Neoplastic Syndromes, Hereditary; Tumor predisposition; Hereditary neoplastic syndrome; Hereditary Cancer Syndrome. Identifiers: Orphanet 140162, MedGen C0027672, MeSH D009386, MONDO:0015356.
Oligodontia-cancer predisposition syndrome. Also called: TOOTH AGENESIS-COLORECTAL CANCER SYNDROME. Identifiers: Orphanet 300576, MedGen C1837750, MONDO:0012075, OMIM 608615. Disease mechanism: loss of function.

Allele frequency attached by ClinVar (database versions not stated): ExAC below 0.00001; gnomAD 0.00001; 1000 Genomes Project 0.00020.
gnomAD v4.1: 2 of 1,601,520 alleles (0.00012%); highest among the groups gnomAD compares: South Asian, 0.0022%; no homozygotes.

Submissions (3):

Quest Diagnostics Nichols Institute San Juan Capistrano
Classification: Uncertain significance. Last evaluated: 2025-09-24. Review status: criteria provided, single submitter. Criteria: Quest Diagnostics criteria. Collection method: clinical testing. Allele origin: unknown.
Comment: The AXIN2 c.2018C>A (p.Thr673Asn) variant has not been reported in individuals with AXIN2-related conditions in the published literature. The frequency of this variant in the general population (Genome Aggregation Database) is uninformative in the assessment of its pathogenicity. Analysis of this variant using bioinformatics tools for the prediction of the effect of amino acid changes on protein structure and function yielded predictions that this variant is benign. Based on the available information, we are unable to determine the clinical significance of this variant.

Ambry Genetics
Classification: Uncertain significance for Hereditary cancer-predisposing syndrome. Last evaluated: 2024-09-18. Review status: criteria provided, single submitter. Criteria: Ambry Variant Classification Scheme 2023. Collection method: clinical testing. Allele origin: germline.
Comment: The p.T673N variant (also known as c.2018C>A), located in coding exon 7 of the AXIN2 gene, results from a C to A substitution at nucleotide position 2018. The threonine at codon 673 is replaced by asparagine, an amino acid with similar properties. This amino acid position is poorly conserved in available vertebrate species. In addition, this alteration is predicted to be tolerated by in silico analysis. Based on the available evidence, the clinical significance of this variant remains unclear.

Labcorp Genetics (formerly Invitae), Labcorp
Classification: Uncertain significance for Oligodontia-cancer predisposition syndrome. Last evaluated: 2023-06-19. Review status: criteria provided, single submitter. Criteria: Invitae Variant Classification Sherloc (09022015). Collection method: clinical testing. Allele origin: germline.
Comment: This sequence change replaces threonine, which is neutral and polar, with asparagine, which is neutral and polar, at codon 673 of the AXIN2 protein (p.Thr673Asn). This variant is not present in population databases (gnomAD no frequency). This variant has not been reported in the literature in individuals affected with AXIN2-related conditions. ClinVar contains an entry for this variant (Variation ID: 644687). Advanced modeling of protein sequence and biophysical properties (such as structural, functional, and spatial information, amino acid conservation, physicochemical variation, residue mobility, and thermodynamic stability) performed at Invitae indicates that this missense variant is not expected to disrupt AXIN2 protein function. In summary, the available evidence is currently insufficient to determine the role of this variant in disease. Therefore, it has been classified as a Variant of Uncertain Significance.

NM_004655.4(AXIN2):c.2018C>A (p.Thr673Asn)

Gene: AXIN2 (axin 2; minus strand). Cytogenetic location: 17q24.1.
Variant type: single nucleotide variant.
Coding change: c.2018C>A on transcript NM_004655.4 (MANE Select); coding-DNA position 2018, C replaced by A.
Protein change: p.Thr673Asn; replaces threonine 673 with asparagine.
Molecular consequence: missense variant.
Genome position (GRCh38, 1-based): chr17:65,536,443, G>T on the plus strand (C>A on the coding strand, the complement: AXIN2 is on the minus strand). VCF-style: chr17-65536443-G-T. GRCh37 (hg19) VCF-style: chr17-63532561-G-T.
Other names: c.1823C>A, p.Thr608Asn (NM_001363813.1); c.2018C>A (LRG_296t1); short protein forms T608N, T673N.
Identifiers: ClinVar variation 644687 (VCV000644687.11), dbSNP rs576688801, ClinGen allele CA8718427.